The following is an entry in ClinVar:

ClinVar aggregate classification (germline): Conflicting classifications of pathogenicity. Review status: criteria provided, conflicting classifications (1 of 4 stars). 7 submissions from 6 submitters: Uncertain significance (3); Likely benign (4). Last evaluated 2026-06-15.

Conditions:
Polyps, multiple and recurrent inflammatory fibroid, gastrointestinal. Identifiers: MedGen C5193005, MONDO:0008285, OMIM 175510.
Idiopathic hypereosinophilic syndrome (HES). Identifiers: Orphanet 3260, MedGen C0206141, MONDO:0011895, OMIM 607685. Disease mechanism: gain of function.
Gastrointestinal stromal tumor. Also called: Gastrointestinal stromal tumor, somatic; Gastrointestinal stroma tumor. Identifiers: Orphanet 44890, MedGen C0238198, MeSH D046152, MONDO:0011719, OMIM 606764, HP:0100723.
Hereditary cancer-predisposing syndrome. Also called: Hereditary Cancer Syndrome; Tumor predisposition; Neoplastic Syndromes, Hereditary; Hereditary neoplastic syndrome. Identifiers: Orphanet 140162, MedGen C0027672, MeSH D009386, MONDO:0015356.

Allele frequency attached by ClinVar (database versions not stated): gnomAD 0.00001 and 0.00002; gnomAD exomes 0.00002; ExAC 0.00003; TOPMed 0.00003; 1000 Genomes Project 30x 0.00016; 1000 Genomes Project 0.00020.
gnomAD v4.1: 37 of 1,613,930 alleles (0.0023%); highest among the groups gnomAD compares: South Asian, 0.0044%; no homozygotes.

Submissions (7):

Myriad Genetics, Inc.
Classification: Likely benign for Polyps, multiple and recurrent inflammatory fibroid, gastrointestinal. Last evaluated: 2026-06-15. Review status: criteria provided, single submitter. Criteria: Myriad Autosomal Dominant, Autosomal Recessive and X-Linked Classification Criteria (2023). Collection method: clinical testing. Allele origin: unknown.
Comment: This variant is considered likely benign. This variant has been observed at a population frequency that is significantly greater than expected given the associated disease prevalence and penetrance.

Labcorp Genetics (formerly Invitae), Labcorp
Classification: Uncertain significance for Gastrointestinal stromal tumor. Last evaluated: 2026-01-11. Review status: criteria provided, single submitter. Criteria: Invitae Variant Classification Sherloc (09022015). Collection method: clinical testing. Allele origin: germline.
Comment: This sequence change replaces alanine, which is neutral and non-polar, with threonine, which is neutral and polar, at codon 491 of the PDGFRA protein (p.Ala491Thr). This variant is present in population databases (rs563016888, gnomAD 0.003%). This variant has not been reported in the literature in individuals affected with PDGFRA-related conditions. ClinVar contains an entry for this variant (Variation ID: 348902). Invitae Evidence Modeling of protein sequence and biophysical properties (such as structural, functional, and spatial information, amino acid conservation, physicochemical variation, residue mobility, and thermodynamic stability) indicates that this missense variant is not expected to disrupt PDGFRA protein function with a negative predictive value of 80%. In summary, the available evidence is currently insufficient to determine the role of this variant in disease. Therefore, it has been classified as a Variant of Uncertain Significance.

GeneDx
Classification: Uncertain significance. Last evaluated: 2023-08-02. Review status: criteria provided, single submitter. Criteria: GeneDx Variant Classification Process June 2021. Collection method: clinical testing. Allele origin: germline. Affected: yes.
Comment: Not observed at significant frequency in large population cohorts (gnomAD); In silico analysis supports that this missense variant does not alter protein structure/function; Observed in a pediatric neurofibromatosis type 1 patient with an astrocytoma (Barsan et al., 2019); This variant is associated with the following publications: (PMID: 28912153, 31827999)

CeGaT Center for Human Genetics Tuebingen
Classification: Likely benign. Last evaluated: 2022-05-01. Review status: criteria provided, single submitter. Criteria: CeGaT Center For Human Genetics Tuebingen Variant Classification Criteria Version 2. Collection method: clinical testing. Allele origin: germline. Affected: yes. Observed: 1 variant allele.
Comment: PDGFRA: BP4, BS2

Ambry Genetics
Classification: Likely benign for Hereditary cancer-predisposing syndrome. Last evaluated: 2022-01-03. Review status: criteria provided, single submitter. Criteria: Ambry Variant Classification Scheme 2023. Collection method: clinical testing. Allele origin: germline.

Illumina Laboratory Services, Illumina
Classification: Uncertain significance for Gastrointestinal stromal tumor. Last evaluated: 2018-01-13. Review status: criteria provided, single submitter. Criteria: ICSL Variant Classification Criteria 13 December 2019. Collection method: clinical testing. Allele origin: germline.

Illumina Laboratory Services, Illumina
Classification: Likely benign for Idiopathic hypereosinophilic syndrome. Last evaluated: 2018-01-13. Review status: criteria provided, single submitter. Criteria: ICSL Variant Classification Criteria 13 December 2019. Collection method: clinical testing. Allele origin: germline.
Comment: This variant was observed in the ICSL laboratory as part of a predisposition screen in an ostensibly healthy population. It had not been previously curated by ICSL or reported in the Human Gene Mutation Database (HGMD: prior to June 1st, 2018), and was therefore a candidate for classification through an automated scoring system. Utilizing variant allele frequency, disease prevalence and penetrance estimates, and inheritance mode, an automated score was calculated to assess if this variant is too frequent to cause the disease. Based on the score and internal cut-off values, a variant classified as likely benign is not then subjected to further curation. The score for this variant resulted in a classification of likely benign for this disease.

NM_006206.6(PDGFRA):c.1471G>A (p.Ala491Thr)

Gene: PDGFRA (platelet derived growth factor receptor alpha; plus strand). Cytogenetic location: 4q12.
Variant type: single nucleotide variant.
Coding change: c.1471G>A on transcript NM_006206.6 (MANE Select); coding-DNA position 1471, G replaced by A.
Protein change: p.Ala491Thr; replaces alanine 491 with threonine.
Molecular consequence: missense variant.
Genome position (GRCh38, 1-based): chr4:54,273,643, G>A. VCF-style: chr4-54273643-G-A. GRCh37 (hg19) VCF-style: chr4-55139810-G-A.
Other names: c.1471G>A, p.Ala491Thr (NM_001347827.2, NM_001347829.2); c.1546G>A, p.Ala516Thr (NM_001347828.2); c.1510G>A, p.Ala504Thr (NM_001347830.2); short protein forms A491T, A516T, A504T.
Identifiers: ClinVar variation 348902 (VCV000348902.42), dbSNP rs563016888, ClinGen allele CA2922579.